The following is an entry in ClinVar:

NM_006005.3(WFS1):c.316-37C>T

Gene: WFS1 (wolframin ER transmembrane glycoprotein; plus strand). Cytogenetic location: 4p16.1.
Variant type: single nucleotide variant.
Coding change: c.316-37C>T on transcript NM_006005.3 (MANE Select); 37 bases into the intron before coding-DNA position 316, C replaced by T.
Molecular consequence: intron variant.
Genome position (GRCh38, 1-based): chr4:6,288,950, C>T. VCF-style: chr4-6288950-C-T. GRCh37 (hg19) VCF-style: chr4-6290677-C-T.
Other names: c.316-37C>T (NM_001145853.1).
Identifiers: ClinVar variation 675932 (VCV000675932.2), dbSNP rs4688990, ClinGen allele CA2838854.
Genomic context (GRCh38, chr4:6,288,950, plus strand): 5'-TGACAAAGGGAAGTGGGTGAAAGGAGGTGGGCTGGCAGGGAGCATGGGGTGGGAGAGGGT[C>T]GGAGAATCTGGAGGCTGACTGGTGTCTGGCTTGCAGGTGGGGAAGCACTACCTGCAGTTG-3'

ClinVar aggregate classification (germline): Likely benign. Review status: criteria provided, multiple submitters, no conflicts (2 of 4 stars). 2 submissions from 2 submitters: Likely benign (2). Last evaluated 2018-06-16.

Allele frequency attached by ClinVar (database versions not stated): 1000 Genomes Project 30x 0.00640; TOPMed 0.00665; 1000 Genomes Project 0.00679; ESP Exome Variant Server 0.00831; ExAC 0.00975.
gnomAD v4.1: 13,043 of 1,599,632 alleles (0.82%); highest among the groups gnomAD compares: Middle Eastern, 1.9%; 90 homozygotes.

Submissions (2):

GeneDx
Classification: Likely benign. Last evaluated: 2018-06-16. Review status: criteria provided, single submitter. Criteria: GeneDx Variant Classification (06012015). Collection method: clinical testing. Allele origin: germline. Affected: yes.
Comment: This variant is considered likely benign or benign based on one or more of the following criteria: it is a conservative change, it occurs at a poorly conserved position in the protein, it is predicted to be benign by multiple in silico algorithms, and/or has population frequency not consistent with disease.

Breakthrough Genomics
Classification: Likely benign. Review status: criteria provided, single submitter. Criteria: ACMG Guidelines, 2015. Collection method: not provided. Allele origin: germline. Inheritance: Autosomal recessive inheritance. Affected: yes.